The following is an entry in ClinVar:

NM_001174147.2(LMX1B):c.1120G>A (p.Gly374Ser)

Gene: LMX1B (LIM homeobox transcription factor 1 beta; plus strand). Cytogenetic location: 9q33.3.
Variant type: single nucleotide variant.
Coding change: c.1120G>A on transcript NM_001174147.2 (MANE Select); coding-DNA position 1120, G replaced by A.
Protein change: p.Gly374Ser; replaces glycine 374 with serine.
Molecular consequence: missense variant.
Genome position (GRCh38, 1-based): chr9:126,696,362, G>A. VCF-style: chr9-126696362-G-A. GRCh37 (hg19) VCF-style: chr9-129458641-G-A.
Other names: c.1132G>A, p.Gly378Ser (NM_001174146.2); c.1099G>A, p.Gly367Ser (NM_002316.4); c.1099G>A (NM_002316.3); short protein forms G367S, G374S, G378S.
Identifiers: ClinVar variation 1063429 (VCV001063429.11), dbSNP rs769220332, ClinGen allele CA5242561.

ClinVar aggregate classification (germline): Conflicting classifications of pathogenicity. Review status: criteria provided, conflicting classifications (1 of 4 stars). 3 submissions from 3 submitters: Uncertain significance (2); Likely benign (1). Last evaluated 2026-01-18.

Conditions:
LMX1B-related disorder. Also called: LMX1B-related condition.

Allele frequency attached by ClinVar (database versions not stated): gnomAD 0.00003; gnomAD exomes 0.00003 and 0.00010; ExAC 0.00005; TOPMed 0.00010.
gnomAD v4.1: 46 of 1,614,072 alleles (0.0028%); highest among the groups gnomAD compares: Admixed American, 0.045%; no homozygotes.

Submissions (3):

Labcorp Genetics (formerly Invitae), Labcorp
Classification: Uncertain significance. Last evaluated: 2026-01-18. Review status: criteria provided, single submitter. Criteria: Invitae Variant Classification Sherloc (09022015). Collection method: clinical testing. Allele origin: germline.
Comment: This sequence change replaces glycine, which is neutral and non-polar, with serine, which is neutral and polar, at codon 367 of the LMX1B protein (p.Gly367Ser). This variant is present in population databases (rs769220332, gnomAD 0.07%), and has an allele count higher than expected for a pathogenic variant. This variant has not been reported in the literature in individuals affected with LMX1B-related conditions. ClinVar contains an entry for this variant (Variation ID: 1063429). An algorithm developed to predict the effect of missense changes on protein structure and function (PolyPhen-2) suggests that this variant is likely to be tolerated. In summary, the available evidence is currently insufficient to determine the role of this variant in disease. Therefore, it has been classified as a Variant of Uncertain Significance.

PreventionGenetics, part of Exact Sciences
Classification: Likely benign for LMX1B-related condition. Last evaluated: 2025-03-18. Review status: criteria provided, single submitter. Criteria: ACMG Guidelines, 2015. Collection method: clinical testing. Allele origin: germline.
Comment: This variant is classified as likely benign based on ACMG/AMP sequence variant interpretation guidelines (Richards et al. 2015 PMID: 25741868, with internal and published modifications).

Breakthrough Genomics
Classification: Uncertain significance. Review status: criteria provided, single submitter. Criteria: ACMG Guidelines, 2015. Collection method: not provided. Allele origin: germline. Inheritance: Autosomal dominant inheritance. Affected: yes.